The following is an entry in ClinVar:

ClinVar aggregate classification (germline): Likely benign (1 of 4 stars; one submission).

Allele frequency attached by ClinVar (database versions not stated): ExAC 0.00005; gnomAD exomes 0.00008; gnomAD 0.00010.
gnomAD v4.1: 131 of 1,610,936 alleles (0.0081%); highest among the groups gnomAD compares: African/African-American, 0.021%; 6 homozygotes.

Submission:

CeGaT Center for Human Genetics Tuebingen
Classification: Likely benign. Last evaluated: 2022-11-01. Review status: criteria provided, single submitter. Criteria: CeGaT Center For Human Genetics Tuebingen Variant Classification Criteria Version 2. Collection method: clinical testing. Allele origin: germline. Affected: yes. Observed: 1 variant allele.
Comment: MRGPRX1: BP4, BP7

NM_001393578.1(MRGPRX1):c.846A>G (p.Gln282=)

Gene: MRGPRX1 (MAS related GPR family member X1; minus strand). Cytogenetic location: 11p15.1.
Variant type: single nucleotide variant.
Coding change: c.846A>G on transcript NM_001393578.1 (MANE Select); coding-DNA position 846, A replaced by G.
Protein change: p.Gln282=; no amino-acid change (glutamine 282 retained).
Molecular consequence: synonymous variant.
Genome position (GRCh38, 1-based): chr11:18,933,939, T>C on the plus strand (A>G on the coding strand, the complement: MRGPRX1 is on the minus strand). VCF-style: chr11-18933939-T-C. GRCh37 (hg19) VCF-style: chr11-18955486-T-C.
Other names: c.846A>G, p.Gln282= (NM_147199.4).
Identifiers: ClinVar variation 2641669 (VCV002641669.24), dbSNP rs755735905, ClinGen allele CA5915408.